The following is an entry in ClinVar:

ClinVar aggregate classification (germline): Uncertain significance (1 of 4 stars; one submission).

Conditions:
Fanconi anemia complementation group E (FANCE). Also called: FANCE-Related Fanconi Anemia. Identifiers: Orphanet 84, MedGen C3160739, MONDO:0010953, OMIM 600901.

Submission:

Labcorp Genetics (formerly Invitae), Labcorp
Classification: Uncertain significance for Fanconi anemia complementation group E. Last evaluated: 2022-11-23. Review status: criteria provided, single submitter. Criteria: Invitae Variant Classification Sherloc (09022015). Collection method: clinical testing. Allele origin: unknown.
Comment: In summary, the available evidence is currently insufficient to determine the role of this variant in disease. Therefore, it has been classified as a Variant of Uncertain Significance. This variant has not been reported in the literature in individuals affected with FANCE-related conditions. This variant is a gross deletion of the genomic region encompassing exon(s) 8-9 of the FANCE gene. While this deletion is not anticipated to lead to nonsense mediated decay, it is expected to disrupt the C-terminus of the protein.

NC_000006.11:g.(?_35428309)_(35430711_?)del

Gene: FANCE (FA complementation group E; plus strand). Cytogenetic location: 6p21.31.
Variant type: Deletion.
Identifiers: ClinVar variation 3246026 (VCV003246026.1).